The following is an entry in ClinVar:

ClinVar aggregate classification (germline): Uncertain significance (1 of 4 stars; one submission).

Submission:

CeGaT Center for Human Genetics Tuebingen
Classification: Uncertain significance. Last evaluated: 2026-01-01. Review status: criteria provided, single submitter. Criteria: CeGaT Center For Human Genetics Tuebingen Variant Classification Criteria Version 2. Collection method: clinical testing. Allele origin: germline. Affected: yes. Observed: 1 variant allele.
Comment: SCN10A: PM2

NM_006514.4(SCN10A):c.5021G>A (p.Gly1674Glu)

Gene: SCN10A (sodium voltage-gated channel alpha subunit 10; minus strand). Cytogenetic location: 3p22.2.
Variant type: single nucleotide variant.
Coding change: c.5021G>A on transcript NM_006514.4 (MANE Select); coding-DNA position 5021, G replaced by A.
Protein change: p.Gly1674Glu; replaces glycine 1674 with glutamic acid.
Molecular consequence: missense variant.
Genome position (GRCh38, 1-based): chr3:38,698,199, C>T on the plus strand (G>A on the coding strand, the complement: SCN10A is on the minus strand). VCF-style: chr3-38698199-C-T. GRCh37 (hg19) VCF-style: chr3-38739690-C-T.
Other names: c.5018G>A, p.Gly1673Glu (NM_001293306.2); c.4727G>A, p.Gly1576Glu (NM_001293307.2); short protein forms G1576E, G1673E, G1674E.
Identifiers: ClinVar variation 4822863 (VCV004822863.4).